The following is an entry in ClinVar:

ClinVar aggregate classification (germline): Likely pathogenic (1 of 4 stars; one submission).

Submission:

Labcorp Genetics (formerly Invitae), Labcorp
Classification: Likely pathogenic. Last evaluated: 2024-09-30. Review status: criteria provided, single submitter. Criteria: Invitae Variant Classification Sherloc (09022015). Collection method: clinical testing. Allele origin: germline.
Comment: This sequence change replaces serine, which is neutral and polar, with asparagine, which is neutral and polar, at codon 379 of the TMC1 protein (p.Ser379Asn). This variant is not present in population databases (gnomAD no frequency). This missense change has been observed in individual(s) with autosomal recessive nonsyndromic deafness (internal data). In at least one individual the data is consistent with being in trans (on the opposite chromosome) from a pathogenic variant. Invitae Evidence Modeling of protein sequence and biophysical properties (such as structural, functional, and spatial information, amino acid conservation, physicochemical variation, residue mobility, and thermodynamic stability) indicates that this missense variant is expected to disrupt TMC1 protein function with a positive predictive value of 95%. In summary, the currently available evidence indicates that the variant is pathogenic, but additional data are needed to prove that conclusively. Therefore, this variant has been classified as Likely Pathogenic.

NM_138691.3(TMC1):c.1136G>A (p.Ser379Asn)

Gene: TMC1 (transmembrane channel like 1; plus strand). Cytogenetic location: 9q21.13.
Variant type: single nucleotide variant.
Coding change: c.1136G>A on transcript NM_138691.3 (MANE Select); coding-DNA position 1136, G replaced by A.
Protein change: p.Ser379Asn; replaces serine 379 with asparagine.
Molecular consequence: missense variant.
Genome position (GRCh38, 1-based): chr9:72,789,229, G>A. VCF-style: chr9-72789229-G-A. GRCh37 (hg19) VCF-style: chr9-75404145-G-A.
Other names: short protein forms S379N.
Identifiers: ClinVar variation 2752087 (VCV002752087.3), dbSNP rs2489918394, ClinGen allele CA373504930.